The following is an entry in ClinVar:

ClinVar aggregate classification (germline): Likely benign. Review status: criteria provided, multiple submitters, no conflicts (2 of 4 stars). 2 submissions from 2 submitters: Likely benign (2). Last evaluated 2025-06-20.

Conditions:
ILDR1-related disorder. Also called: ILDR1-related condition.

gnomAD v4.1: 146 of 1,613,900 alleles (0.009%); highest among the groups gnomAD compares: Middle Eastern, 0.016%; no homozygotes.

Submissions (2):

PreventionGenetics, part of Exact Sciences
Classification: Likely benign for ILDR1-related condition. Last evaluated: 2025-06-20. Review status: criteria provided, single submitter. Criteria: ACMG Guidelines, 2015. Collection method: clinical testing. Allele origin: germline.
Comment: This variant is classified as likely benign based on ACMG/AMP sequence variant interpretation guidelines (Richards et al. 2015 PMID: 25741868, with internal and published modifications).

Labcorp Genetics (formerly Invitae), Labcorp
Classification: Likely benign. Last evaluated: 2024-06-23. Review status: criteria provided, single submitter. Criteria: Invitae Variant Classification Sherloc (09022015). Collection method: clinical testing. Allele origin: germline.

NM_001199799.2(ILDR1):c.1302G>A (p.Pro434=)

Gene: ILDR1 (immunoglobulin like domain containing receptor 1; minus strand). Cytogenetic location: 3q13.33.
Variant type: single nucleotide variant.
Coding change: c.1302G>A on transcript NM_001199799.2 (MANE Select); coding-DNA position 1302, G replaced by A.
Protein change: p.Pro434=; no amino-acid change (proline 434 retained).
Molecular consequence: synonymous variant.
Genome position (GRCh38, 1-based): chr3:121,993,447, C>T on the plus strand (G>A on the coding strand, the complement: ILDR1 is on the minus strand). VCF-style: chr3-121993447-C-T. GRCh37 (hg19) VCF-style: chr3-121712294-C-T.
Other names: c.1035G>A, p.Pro345= (NM_001199800.2); c.1170G>A, p.Pro390= (NM_175924.4); c.1302G>A (NM_001199799.1).
Identifiers: ClinVar variation 3628149 (VCV003628149.3).